The following is an entry in ClinVar:

NM_001384900.1(SEMA3D):c.375+8T>G

Gene: SEMA3D (semaphorin 3D; minus strand). Cytogenetic location: 7q21.11.
Variant type: single nucleotide variant.
Coding change: c.375+8T>G on transcript NM_001384900.1 (MANE Select); 8 bases into the intron after coding-DNA position 375, T replaced by G.
Molecular consequence: intron variant.
Genome position (GRCh38, 1-based): chr7:85,081,509, A>C on the plus strand (T>G on the coding strand, the complement: SEMA3D is on the minus strand). VCF-style: chr7-85081509-A-C. GRCh37 (hg19) VCF-style: chr7-84710825-A-C.
Other names: c.375+8T>G (NM_001384901.1, NM_001384903.1, NM_001384902.1 and 1 more transcripts).
Identifiers: ClinVar variation 3354293 (VCV003354293.1).

ClinVar aggregate classification (germline): Likely benign (0 of 4 stars; one submission).

Conditions:
SEMA3D-related disorder. Also called: SEMA3D-related condition.

gnomAD v4.1: 2 of 1,584,212 alleles (0.00013%); highest among the groups gnomAD compares: African/African-American, 0.0027%; no homozygotes.

Submission:

PreventionGenetics, part of Exact Sciences
Classification: Likely benign for SEMA3D-related condition. Last evaluated: 2023-04-12. Review status: no assertion criteria provided. Collection method: clinical testing. Allele origin: germline.
Comment: This variant is classified as likely benign based on ACMG/AMP sequence variant interpretation guidelines (Richards et al. 2015 PMID: 25741868, with internal and published modifications).